The following is an entry in ClinVar:

ClinVar aggregate classification (germline): Uncertain significance (1 of 4 stars; one submission).

Conditions:
Granulomatous disease, chronic, X-linked. Also called: CYTOCHROME b-NEGATIVE GRANULOMATOUS DISEASE, CHRONIC, X-LINKED; GRANULOMATOUS DISEASE, CHRONIC, X-LINKED, SOMATIC MOSAIC. Identifiers: Orphanet 379, MedGen C1844376, MONDO:0010600, OMIM 306400.

Submission:

Labcorp Genetics (formerly Invitae), Labcorp
Classification: Uncertain significance for Granulomatous disease, chronic, X-linked. Last evaluated: 2024-08-14. Review status: criteria provided, single submitter. Criteria: Invitae Variant Classification Sherloc (09022015). Collection method: clinical testing. Allele origin: germline.
Comment: This sequence change replaces asparagine, which is neutral and polar, with tyrosine, which is neutral and polar, at codon 22 of the CYBB protein (p.Asn22Tyr). This variant is not present in population databases (gnomAD no frequency). This variant has not been reported in the literature in individuals affected with CYBB-related conditions. Invitae Evidence Modeling of protein sequence and biophysical properties (such as structural, functional, and spatial information, amino acid conservation, physicochemical variation, residue mobility, and thermodynamic stability) indicates that this missense variant is expected to disrupt CYBB protein function with a positive predictive value of 80%. In summary, the available evidence is currently insufficient to determine the role of this variant in disease. Therefore, it has been classified as a Variant of Uncertain Significance.

NM_000397.4(CYBB):c.64A>T (p.Asn22Tyr)

Gene: CYBB (cytochrome b-245 beta chain; plus strand). Cytogenetic location: Xp21.1.
Variant type: single nucleotide variant.
Coding change: c.64A>T on transcript NM_000397.4 (MANE Select); coding-DNA position 64, A replaced by T.
Protein change: p.Asn22Tyr; replaces asparagine 22 with tyrosine.
Molecular consequence: missense variant.
Genome position (GRCh38, 1-based): chrX:37,782,106, A>T. VCF-style: chrX-37782106-A-T. GRCh37 (hg19) VCF-style: chrX-37641359-A-T.
Other names: short protein forms N22Y.
Identifiers: ClinVar variation 3662470 (VCV003662470.2).